The following is an entry in ClinVar:

ClinVar aggregate classification (germline): Uncertain significance. Review status: criteria provided, multiple submitters, no conflicts (2 of 4 stars). 2 submissions from 2 submitters: Uncertain significance (2). Last evaluated 2025-06-20.

Conditions:
Hereditary cancer-predisposing syndrome. Also called: Neoplastic Syndromes, Hereditary; Tumor predisposition; Hereditary Cancer Syndrome; Hereditary neoplastic syndrome. Identifiers: Orphanet 140162, MedGen C0027672, MeSH D009386, MONDO:0015356.
Bloom syndrome (BLM). Also called: Bloom-Torre-Machacek syndrome. Identifiers: Orphanet 125, MedGen C0005859, MONDO:0008876, OMIM 210900.

Submissions (2):

Ambry Genetics
Classification: Uncertain significance for Hereditary cancer-predisposing syndrome. Last evaluated: 2025-06-20. Review status: criteria provided, single submitter. Criteria: Ambry Variant Classification Scheme 2023. Collection method: clinical testing. Allele origin: germline.
Comment: The p.L139S variant (also known as c.416T>C), located in coding exon 2 of the BLM gene, results from a T to C substitution at nucleotide position 416. The leucine at codon 139 is replaced by serine, an amino acid with dissimilar properties. This amino acid position is conserved. In addition, the in silico prediction for this alteration is inconclusive. Based on the available evidence, the clinical significance of this variant remains unclear.

Labcorp Genetics (formerly Invitae), Labcorp
Classification: Uncertain significance for Bloom syndrome. Last evaluated: 2018-10-10. Review status: criteria provided, single submitter. Criteria: Invitae Variant Classification Sherloc (09022015). Collection method: clinical testing. Allele origin: germline.
Comment: This sequence change replaces leucine with serine at codon 139 of the BLM protein (p.Leu139Ser). The leucine residue is weakly conserved and there is a large physicochemical difference between leucine and serine. This variant is not present in population databases (ExAC no frequency). This variant has not been reported in the literature in individuals with BLM-related disease. Algorithms developed to predict the effect of missense changes on protein structure and function are either unavailable or do not agree on the potential impact of this missense change (SIFT: "Tolerated"; PolyPhen-2: "Possibly Damaging"; Align-GVGD: "Class C0"). In summary, the available evidence is currently insufficient to determine the role of this variant in disease. Therefore, it has been classified as a Variant of Uncertain Significance.

NM_000057.4(BLM):c.416T>C (p.Leu139Ser)

Gene: BLM (BLM RecQ like helicase; plus strand). Cytogenetic location: 15q26.1.
Variant type: single nucleotide variant.
Coding change: c.416T>C on transcript NM_000057.4 (MANE Select); coding-DNA position 416, T replaced by C.
Protein change: p.Leu139Ser; replaces leucine 139 with serine.
Molecular consequence: missense variant. On other transcripts: 5 prime UTR variant (1).
Genome position (GRCh38, 1-based): chr15:90,749,684, T>C. VCF-style: chr15-90749684-T-C. GRCh37 (hg19) VCF-style: chr15-91292914-T-C.
Other names: c.416T>C, p.Leu139Ser (NM_001287246.2, NM_001287247.2); c.-876T>C (NM_001287248.2); c.416T>C (NM_000057.2); short protein forms L139S.
Identifiers: ClinVar variation 649170 (VCV000649170.10), dbSNP rs1596218397, ClinGen allele CA393840498.
Genomic context (GRCh38, chr15:90,749,684, plus strand): 5'-TATGCACTACCCAAAACACACCAACTGTAAAGAAATCCCGGGATACTGCTCTCAAGAAAT[T>C]AGAATTTAGTTCTTCACCAGATTCTTTAAGTACCATCAATGATTGGGATGATATGGATGA-3'
Protein context (NP_000048.1, residues 129-149): KKSRDTALKK[Leu139Ser]EFSSSPDSLS